The following is an entry in ClinVar:

NM_000051.4(ATM):c.4953G>A (p.Leu1651=)

Gene: ATM (ATM serine/threonine kinase; plus strand). Cytogenetic location: 11q22.3.
Variant type: single nucleotide variant.
Coding change: c.4953G>A on transcript NM_000051.4 (MANE Select); coding-DNA position 4953, G replaced by A.
Protein change: p.Leu1651=; no amino-acid change (leucine 1651 retained).
Molecular consequence: synonymous variant.
Genome position (GRCh38, 1-based): chr11:108,297,330, G>A. VCF-style: chr11-108297330-G-A. GRCh37 (hg19) VCF-style: chr11-108168057-G-A.
Other names: c.4953G>A, p.Leu1651= (NM_001351834.2).
Identifiers: ClinVar variation 184141 (VCV000184141.15), dbSNP rs786201297, ClinGen allele CA187947.
Genomic context (GRCh38, chr11:108,297,330, plus strand): 5'-TAAAAAATTATTTCTAGATAATCCGCAAGATGGGATTATGGTGAAACTAGTTGTCAATTT[G>A]TTGCAGTTATCCAAGATGGCAATAAACCACACTGGTGAAAAAGAAGTTCTAGGTAAACTA-3'
Protein context (NP_000042.3, residues 1641-1661): DGIMVKLVVN[Leu1651=]LQLSKMAINH

ClinVar aggregate classification (germline): Benign/Likely benign. Review status: criteria provided, multiple submitters, no conflicts (2 of 4 stars). 3 submissions from 3 submitters: Benign (1); Likely benign (2). Last evaluated 2025-04-27.

Conditions:
Hereditary cancer-predisposing syndrome. Also called: Tumor predisposition; Hereditary Cancer Syndrome; Hereditary neoplastic syndrome; Neoplastic Syndromes, Hereditary. Identifiers: Orphanet 140162, MedGen C0027672, MeSH D009386, MONDO:0015356.
Familial cancer of breast. Also called: BREAST CANCER, FAMILIAL; hereditary breast carcinoma; Hereditary breast cancer. Identifiers: Orphanet 227535, MedGen C0346153, MONDO:0016419, OMIM 114480. Disease mechanism: loss of function.
Ataxia-telangiectasia syndrome (AT). Also called: LOUIS-BAR SYNDROME; Cerebello-oculocutaneous telangiectasia; Immunodeficiency with ataxia telangiectasia; ATAXIA-TELANGIECTASIA, COMPLEMENTATION GROUP A; ATAXIA-TELANGIECTASIA, FRESNO VARIANT; Ataxia-telangiectasia. Identifiers: Orphanet 100, MedGen C0004135, MONDO:0008840, OMIM 208900.

Submissions (3):

Labcorp Genetics (formerly Invitae), Labcorp
Classification: Likely benign for Ataxia-telangiectasia syndrome. Last evaluated: 2025-04-27. Review status: criteria provided, single submitter. Criteria: Invitae Variant Classification Sherloc (09022015). Collection method: clinical testing. Allele origin: germline.

Myriad Genetics, Inc.
Classification: Benign for Familial cancer of breast. Last evaluated: 2024-05-21. Review status: criteria provided, single submitter. Criteria: Myriad Autosomal Dominant, Autosomal Recessive and X-Linked Classification Criteria (2023). Collection method: clinical testing. Allele origin: unknown.
Comment: This variant is considered benign. This variant is a silent/synonymous amino acid change and it is not expected to impact splicing.

Ambry Genetics
Classification: Likely benign for Hereditary cancer-predisposing syndrome. Last evaluated: 2015-05-03. Review status: criteria provided, single submitter. Criteria: Ambry Variant Classification Scheme 2023. Collection method: clinical testing. Allele origin: germline.